The following is an entry in ClinVar:

NM_002180.3(IGHMBP2):c.2295C>G (p.His765Gln)

Gene: IGHMBP2 (immunoglobulin mu DNA binding protein 2; plus strand). Cytogenetic location: 11q13.3.
Variant type: single nucleotide variant.
Coding change: c.2295C>G on transcript NM_002180.3 (MANE Select); coding-DNA position 2295, C replaced by G.
Protein change: p.His765Gln; replaces histidine 765 with glutamine.
Molecular consequence: missense variant.
Genome position (GRCh38, 1-based): chr11:68,936,775, C>G. VCF-style: chr11-68936775-C-G. GRCh37 (hg19) VCF-style: chr11-68704243-C-G.
Other names: short protein forms H765Q.
Identifiers: ClinVar variation 466589 (VCV000466589.10), dbSNP rs149185954, ClinGen allele CA6153877.
Genomic context (GRCh38, chr11:68,936,775, plus strand): 5'-GTTTCCTCCTTCCCTCAATTCCCACGACAGGCTGCGGGTCCACCAAATAGCCGAGGAGCA[C>G]GGGCTGAGGCACGACAGTTCCGGGGAAGGGAAGAGGAGGTTCATCACTGTGAGCAAGAGG-3'
Protein context (NP_002171.2, residues 755-775): RLRVHQIAEE[His765Gln]GLRHDSSGEG

ClinVar aggregate classification (germline): Uncertain significance. Review status: criteria provided, multiple submitters, no conflicts (2 of 4 stars). 3 submissions from 3 submitters: Uncertain significance (3). Last evaluated 2025-01-01.

Conditions:
Inborn genetic diseases. Identifiers: MedGen C0950123, MeSH D030342.
Charcot-Marie-Tooth disease axonal type 2S. Also called: CHARCOT-MARIE-TOOTH NEUROPATHY, TYPE 2S; CHARCOT-MARIE-TOOTH DISEASE, AXONAL, AUTOSOMAL RECESSIVE, TYPE 2S. Identifiers: Orphanet 443073, MedGen C4015349, MONDO:0014511, OMIM 616155.
Autosomal recessive distal spinal muscular atrophy 1. Also called: NEURONOPATHY, DISTAL HEREDITARY MOTOR, HARDING TYPE VI; NEUROPATHY, DISTAL HEREDITARY MOTOR, AUTOSOMAL RECESSIVE 1; HMN VI; NEURONOPATHY, SEVERE INFANTILE AXONAL, WITH RESPIRATORY FAILURE; SEVERE INFANTILE AXONAL NEUROPATHY WITH RESPIRATORY FAILURE; SPINAL MUSCULAR ATROPHY, DIAPHRAGMATIC. Identifiers: Orphanet 98920, MedGen C1858517, MONDO:0011436, OMIM 604320.

Allele frequency attached by ClinVar (database versions not stated): TOPMed 0.00002; ESP Exome Variant Server 0.00015.
gnomAD v4.1: 16 of 1,613,918 alleles (0.00099%); highest among the groups gnomAD compares: Non-Finnish European, 0.0014%; no homozygotes.

Submissions (3):

Labcorp Genetics (formerly Invitae), Labcorp
Classification: Uncertain significance for Autosomal recessive distal spinal muscular atrophy 1; Charcot-Marie-Tooth disease axonal type 2S. Last evaluated: 2025-01-01. Review status: criteria provided, single submitter. Criteria: Invitae Variant Classification Sherloc (09022015). Collection method: clinical testing. Allele origin: germline.
Comment: This sequence change replaces histidine, which is basic and polar, with glutamine, which is neutral and polar, at codon 765 of the IGHMBP2 protein (p.His765Gln). This variant is present in population databases (rs149185954, gnomAD 0.003%). This variant has not been reported in the literature in individuals affected with IGHMBP2-related conditions. ClinVar contains an entry for this variant (Variation ID: 466589). Invitae Evidence Modeling of protein sequence and biophysical properties (such as structural, functional, and spatial information, amino acid conservation, physicochemical variation, residue mobility, and thermodynamic stability) indicates that this missense variant is not expected to disrupt IGHMBP2 protein function with a negative predictive value of 95%. In summary, the available evidence is currently insufficient to determine the role of this variant in disease. Therefore, it has been classified as a Variant of Uncertain Significance.

GeneDx
Classification: Uncertain significance. Last evaluated: 2023-10-15. Review status: criteria provided, single submitter. Criteria: GeneDx Variant Classification Process June 2021. Collection method: clinical testing. Allele origin: germline. Affected: yes.
Comment: In silico analysis supports that this missense variant does not alter protein structure/function; Has not been previously published as pathogenic or benign to our knowledge; Not observed at significant frequency in large population cohorts (gnomAD)

Ambry Genetics
Classification: Uncertain significance for Inborn genetic diseases. Last evaluated: 2021-05-25. Review status: criteria provided, single submitter. Criteria: Ambry Variant Classification Scheme 2023. Collection method: clinical testing. Allele origin: germline.
Comment: The p.H765Q variant (also known as c.2295C>G), located in coding exon 13 of the IGHMBP2 gene, results from a C to G substitution at nucleotide position 2295. The histidine at codon 765 is replaced by glutamine, an amino acid with highly similar properties. This amino acid position is not well conserved in available vertebrate species. In addition, this alteration is predicted to be tolerated by in silico analysis. Since supporting evidence is limited at this time, the clinical significance of this alteration remains unclear.